The following is an entry in ClinVar:

ClinVar aggregate classification (germline): Uncertain significance. Review status: criteria provided, multiple submitters, no conflicts (2 of 4 stars). 3 submissions from 3 submitters: Uncertain significance (3). Last evaluated 2025-12-03.

Conditions:
Brugada syndrome 8 (BRGDA8). Identifiers: Orphanet 130, MedGen C2751083, MONDO:0013148, OMIM 613123.
Cardiovascular phenotype. Identifiers: MedGen CN230736.

Allele frequency attached by ClinVar (database versions not stated): gnomAD exomes 0.00003; gnomAD 0.00004 and 0.00003; TOPMed 0.00004; ExAC 0.00003.
gnomAD v4.1: 26 of 1,599,224 alleles (0.0016%); highest among the groups gnomAD compares: African/African-American, 0.0054%; no homozygotes.

Submissions (3):

Labcorp Genetics (formerly Invitae), Labcorp
Classification: Uncertain significance for Brugada syndrome 8. Last evaluated: 2025-12-03. Review status: criteria provided, single submitter. Criteria: Invitae Variant Classification Sherloc (09022015). Collection method: clinical testing. Allele origin: germline.
Comment: This sequence change replaces arginine, which is basic and polar, with cysteine, which is neutral and slightly polar, at codon 1196 of the HCN4 protein (p.Arg1196Cys). The frequency data for this variant in the population databases is considered unreliable, as metrics indicate poor data quality at this position in the gnomAD database. This variant has not been reported in the literature in individuals affected with HCN4-related conditions. ClinVar contains an entry for this variant (Variation ID: 538090). Invitae Evidence Modeling of protein sequence and biophysical properties (such as structural, functional, and spatial information, amino acid conservation, physicochemical variation, residue mobility, and thermodynamic stability) indicates that this missense variant is not expected to disrupt HCN4 protein function with a negative predictive value of 95%. In summary, the available evidence is currently insufficient to determine the role of this variant in disease. Therefore, it has been classified as a Variant of Uncertain Significance.

Ambry Genetics
Classification: Uncertain significance for Cardiovascular phenotype. Last evaluated: 2024-06-26. Review status: criteria provided, single submitter. Criteria: Ambry Variant Classification Scheme 2023. Collection method: clinical testing. Allele origin: germline.
Comment: The p.R1196C variant (also known as c.3586C>T), located in coding exon 8 of the HCN4 gene, results from a C to T substitution at nucleotide position 3586. The arginine at codon 1196 is replaced by cysteine, an amino acid with highly dissimilar properties. This amino acid position is highly conserved in available vertebrate species. In addition, the in silico prediction for this alteration is inconclusive. Since supporting evidence is limited at this time, the clinical significance of this alteration remains unclear.

ARUP Laboratories, Molecular Genetics and Genomics, ARUP Laboratories
Classification: Uncertain significance. Last evaluated: 2024-02-15. Review status: criteria provided, single submitter. Criteria: ARUP Molecular Germline Variant Investigation Process 2024. Collection method: clinical testing. Allele origin: germline.
Comment: The HCN4 c.3586C>T; p.Arg1196Cys variant (rs780977563), to our knowledge, is not reported in the medical literature but is reported in ClinVar (Variation ID: 538090). This variant is found in the general population with an allele frequency of 0.003% (6/223,410 alleles) in the Genome Aggregation Database (v2.1.1). Computational analyses are uncertain whether this variant is neutral or deleterious (REVEL: 0.514). Given the lack of clinical and functional data, the significance of this variant is uncertain at this time.

NM_005477.3(HCN4):c.3586C>T (p.Arg1196Cys)

Gene: HCN4 (hyperpolarization activated cyclic nucleotide gated potassium channel 4; minus strand). Cytogenetic location: 15q24.1.
Variant type: single nucleotide variant.
Coding change: c.3586C>T on transcript NM_005477.3 (MANE Select); coding-DNA position 3586, C replaced by T.
Protein change: p.Arg1196Cys; replaces arginine 1196 with cysteine.
Molecular consequence: missense variant.
Genome position (GRCh38, 1-based): chr15:73,322,507, G>A on the plus strand (C>T on the coding strand, the complement: HCN4 is on the minus strand). VCF-style: chr15-73322507-G-A. GRCh37 (hg19) VCF-style: chr15-73614848-G-A.
Other names: short protein forms R1196C.
Identifiers: ClinVar variation 538090 (VCV000538090.10), dbSNP rs780977563, ClinGen allele CA7648797.
Genomic context (GRCh38, chr15:73,322,507, plus strand): 5'-AAAAGAAGAAAGAAGAGGGAAGGAAGGGCCCAGCTCATAGATTGGATGGCAGTTTGGAGC[G>A]CACTGGCTCAGGCCTGGCCCCAGGTTCCCTCTGGGGTCCAGCAGTCAGAGGGGGCCCCCC-3'
Protein context (NP_005468.1, residues 1186-1203): REPGARPEPV[Arg1196Cys]SKLPSNL